The following is an entry in ClinVar:

NM_000080.4(CHRNE):c.647_653dup (p.His218fs)

Genes: C17orf107 (chromosome 17 open reading frame 107; plus strand), CHRNE (cholinergic receptor nicotinic epsilon subunit; minus strand). Cytogenetic location: 17p13.2.
Variant type: Duplication.
Coding change: c.647_653dup on transcript NM_000080.4 (MANE Select); coding-DNA positions 647 to 653, 7 bases duplicated (GCCACCA; older notation c.647_653dupGCCACCA).
Protein change: p.His218fs; shifts the reading frame from histidine 218.
Molecular consequence: frameshift variant. On other transcripts: 3 prime UTR variant (1).
Genome position (GRCh38, 1-based): chr17:4,901,139-4,901,145, TGGTGGC duplicated on the plus strand (GCCACCA on the coding strand, the reverse complement: CHRNE is on the minus strand). VCF-style (leftmost placement, unchanged base first): chr17-4901138-G-GTGGTGGC. GRCh37 (hg19) VCF-style: chr17-4804433-G-GTGGTGGC.
Other names: c.*606_*612dup (NM_001145536.2); short protein forms H218fs.
Identifiers: ClinVar variation 1072517 (VCV001072517.7), dbSNP rs2151097420, ClinGen allele CA2499224696.

ClinVar aggregate classification (germline): Pathogenic (1 of 4 stars; one submission).

Conditions:
Congenital myasthenic syndrome 4A. Also called: Myasthenic syndrome, congenital, 4a, slow-channel; MYASTHENIC SYNDROME, CONGENITAL, 4A, SLOW-CHANNEL, AUTOSOMAL RECESSIVE; CONGENITAL MYASTHENIC SYNDROME TYPE Ia1. Identifiers: Orphanet 590, MedGen C4225413, MONDO:0011600, OMIM 605809.

Submission:

Labcorp Genetics (formerly Invitae), Labcorp
Classification: Pathogenic for Congenital myasthenic syndrome 4A. Last evaluated: 2022-11-24. Review status: criteria provided, single submitter. Criteria: Invitae Variant Classification Sherloc (09022015). Collection method: clinical testing. Allele origin: germline.
Comment: ClinVar contains an entry for this variant (Variation ID: 1072517). This variant has not been reported in the literature in individuals affected with CHRNE-related conditions. This variant is not present in population databases (gnomAD no frequency). This sequence change creates a premature translational stop signal (p.His218Glnfs*14) in the CHRNE gene. It is expected to result in an absent or disrupted protein product. Loss-of-function variants in CHRNE are known to be pathogenic (PMID: 22678886). For these reasons, this variant has been classified as Pathogenic.

Literature cited by the submitters: PubMed 22678886.